The following is an entry in ClinVar:

ClinVar aggregate classification (germline): Pathogenic (1 of 4 stars; one submission).

Submission:

Labcorp Genetics (formerly Invitae), Labcorp
Classification: Pathogenic. Last evaluated: 2025-08-26. Review status: criteria provided, single submitter. Criteria: Invitae Variant Classification Sherloc (09022015). Collection method: clinical testing. Allele origin: germline.
Comment: This sequence change creates a premature translational stop signal (p.Tyr884Alafs*8) in the LTBP2 gene. It is expected to result in an absent or disrupted protein product. Loss-of-function variants in LTBP2 are known to be pathogenic (PMID: 19361779, 19656777, 22025892). This variant is not present in population databases (gnomAD no frequency). This variant has not been reported in the literature in individuals affected with LTBP2-related conditions. For these reasons, this variant has been classified as Pathogenic.

Literature cited by the submitters: PubMed 19361779; PubMed 19656777; PubMed 22025892.

NM_000428.3(LTBP2):c.2649_2652del (p.Tyr884fs)

Gene: LTBP2 (latent transforming growth factor beta binding protein 2; minus strand). Cytogenetic location: 14q24.3.
Variant type: Deletion.
Coding change: c.2649_2652del on transcript NM_000428.3 (MANE Select); coding-DNA positions 2649 to 2652, 4 bases deleted (CTAC; older notation c.2649_2652delCTAC).
Protein change: p.Tyr884fs; shifts the reading frame from tyrosine 884.
Molecular consequence: frameshift variant.
Genome position (GRCh38, 1-based): chr14:74,522,797-74,522,800, GTAG deleted on the plus strand (CTAC on the coding strand, the reverse complement: LTBP2 is on the minus strand); deleting any 4 consecutive bases within chr14:74,522,797-74,522,801 gives the same sequence; the c. name uses the placement nearest the transcript's 3' end. VCF-style (leftmost placement, unchanged base first): chr14-74522796-AGTAG-A. GRCh37 (hg19) VCF-style: chr14-74989499-AGTAG-A.
Other names: short protein forms Y884fs.
Identifiers: ClinVar variation 4725520 (VCV004725520.1).
Genomic context (GRCh38, chr14:74,522,796, plus strand): 5'-CCTGCTCCCATCTACCCCAGCCGCCAAGTAAGCCCAGGGCACCCAAGTGAATACCTGTGC[AGTAG>A]GCCTGGCTGGGGTGCAGCTGGTAGCCAGGGCTGCAGACACATCTGTATCCATCGGGGAGG-3'